The following is an entry in ClinVar:

ClinVar aggregate classification (germline): Conflicting classifications of pathogenicity. Review status: criteria provided, conflicting classifications (1 of 4 stars). 2 submissions from 2 submitters: Uncertain significance (1); Likely benign (1). Last evaluated 2026-01-30.

Conditions:
DUOX2-related disorder. Also called: DUOX2-related condition.

Allele frequency attached by ClinVar (database versions not stated): ExAC 0.00009; gnomAD exomes 0.00010; gnomAD 0.00011; ESP Exome Variant Server 0.00015; TOPMed 0.00015.

Submissions (2):

PreventionGenetics, part of Exact Sciences
Classification: Uncertain significance for DUOX2-related condition. Last evaluated: 2026-01-30. Review status: criteria provided, single submitter. Criteria: ACMG Guidelines, 2015. Collection method: clinical testing. Allele origin: germline.
Comment: The DUOX2 c.2581C>T variant is predicted to result in the amino acid substitution p.Arg861Cys. To our knowledge this variant has not been reported in individuals with DUOX2-related conditions in the literature. This variant is reported in 0.014% of alleles in individuals of European (Non-Finnish) descent in gnomAD. At this time, the clinical significance of this variant is uncertain due to the absence of conclusive functional and genetic evidence.

Labcorp Genetics (formerly Invitae), Labcorp
Classification: Likely benign. Last evaluated: 2025-10-03. Review status: criteria provided, single submitter. Criteria: Invitae Variant Classification Sherloc (09022015). Collection method: clinical testing. Allele origin: germline.

NM_001363711.2(DUOX2):c.2581C>T (p.Arg861Cys)

Gene: DUOX2 (dual oxidase 2; minus strand). Cytogenetic location: 15q21.1.
Variant type: single nucleotide variant.
Coding change: c.2581C>T on transcript NM_001363711.2 (MANE Select); coding-DNA position 2581, C replaced by T.
Protein change: p.Arg861Cys; replaces arginine 861 with cysteine.
Molecular consequence: missense variant.
Genome position (GRCh38, 1-based): chr15:45,104,033, G>A on the plus strand (C>T on the coding strand, the complement: DUOX2 is on the minus strand). VCF-style: chr15-45104033-G-A. GRCh37 (hg19) VCF-style: chr15-45396231-G-A.
Other names: c.2581C>T, p.Arg861Cys (NM_014080.5); c.2581C>T (NM_014080.4); short protein forms R861C.
Identifiers: ClinVar variation 1588701 (VCV001588701.9), dbSNP rs201955961, ClinGen allele CA7538210.